The following is an entry in ClinVar:

ClinVar aggregate classification (germline): Uncertain significance (1 of 4 stars; one submission).

Submission:

Labcorp Genetics (formerly Invitae), Labcorp
Classification: Uncertain significance. Last evaluated: 2025-05-01. Review status: criteria provided, single submitter. Criteria: Invitae Variant Classification Sherloc (09022015). Collection method: clinical testing. Allele origin: germline.
Comment: This sequence change creates a premature translational stop signal (p.Asp763Ilefs*10) in the SCN3A gene. It is expected to result in an absent or disrupted protein product. However, the current clinical and genetic evidence is not sufficient to establish whether loss-of-function variants in SCN3A cause disease. This variant is not present in population databases (gnomAD no frequency). This variant has not been reported in the literature in individuals affected with SCN3A-related conditions. Algorithms developed to predict the effect of sequence changes on RNA splicing suggest that this variant may disrupt the consensus splice site. In summary, the available evidence is currently insufficient to determine the role of this variant in disease. Therefore, it has been classified as a Variant of Uncertain Significance.

NM_006922.4(SCN3A):c.2287del (p.Asp763fs)

Gene: SCN3A (sodium voltage-gated channel alpha subunit 3; minus strand). Cytogenetic location: 2q24.3.
Variant type: Deletion.
Coding change: c.2287del on transcript NM_006922.4 (MANE Select); coding-DNA position 2287, one base deleted (G; older notation c.2287delG).
Protein change: p.Asp763fs; shifts the reading frame from aspartic acid 763.
Molecular consequence: frameshift variant.
Genome position (GRCh38, 1-based): chr2:165,137,983, C deleted on the plus strand (G on the coding strand, the reverse complement: SCN3A is on the minus strand). VCF-style (leftmost placement, unchanged base first): chr2-165137982-TC-T. GRCh37 (hg19) VCF-style: chr2-165994492-TC-T.
Other names: c.2140del, p.Asp714fs (NM_001081676.2, NM_001081677.2); short protein forms D714fs, D763fs.
Identifiers: ClinVar variation 4718394 (VCV004718394.1).